The following is an entry in ClinVar:

NM_001184.4(ATR):c.5899-3T>C

Gene: ATR (ATR checkpoint kinase; minus strand). Cytogenetic location: 3q23.
Variant type: single nucleotide variant.
Coding change: c.5899-3T>C on transcript NM_001184.4 (MANE Select); 3 bases into the intron before coding-DNA position 5899, T replaced by C.
Molecular consequence: intron variant.
Genome position (GRCh38, 1-based): chr3:142,493,314, A>G on the plus strand (T>C on the coding strand, the complement: ATR is on the minus strand). VCF-style: chr3-142493314-A-G. GRCh37 (hg19) VCF-style: chr3-142212156-A-G.
Other names: c.5707-3T>C (NM_001354579.2).
Identifiers: ClinVar variation 954465 (VCV000954465.9), dbSNP rs747659355, ClinGen allele CA2649449.

ClinVar aggregate classification (germline): Uncertain significance (1 of 4 stars; one submission).

Allele frequency attached by ClinVar (database versions not stated): TOPMed below 0.00001; ExAC 0.00001; gnomAD 0.00001; gnomAD exomes 0.00001 and 0.00002.

Submission:

Labcorp Genetics (formerly Invitae), Labcorp
Classification: Uncertain significance. Last evaluated: 2025-04-08. Review status: criteria provided, single submitter. Criteria: Invitae Variant Classification Sherloc (09022015). Collection method: clinical testing. Allele origin: germline.
Comment: This sequence change falls in intron 34 of the ATR gene. It does not directly change the encoded amino acid sequence of the ATR protein. It affects a nucleotide within the consensus splice site. This variant is present in population databases (rs747659355, gnomAD 0.006%). This variant has not been reported in the literature in individuals affected with ATR-related conditions. ClinVar contains an entry for this variant (Variation ID: 954465). Variants that disrupt the consensus splice site are a relatively common cause of aberrant splicing (PMID: 17576681, 9536098). Algorithms developed to predict the effect of sequence changes on RNA splicing suggest that this variant is not likely to affect RNA splicing. In summary, the available evidence is currently insufficient to determine the role of this variant in disease. Therefore, it has been classified as a Variant of Uncertain Significance.

Literature cited by the submitters: PubMed 17576681; PubMed 9536098.